The following is an entry in ClinVar:

ClinVar aggregate classification (germline): Uncertain significance (1 of 4 stars; one submission).

Conditions:
Inborn genetic diseases. Identifiers: MedGen C0950123, MeSH D030342.

Submission:

Ambry Genetics
Classification: Uncertain significance for Inborn genetic diseases. Last evaluated: 2025-01-28. Review status: criteria provided, single submitter. Criteria: Ambry Variant Classification Scheme 2023. Collection method: clinical testing. Allele origin: germline.
Comment: The p.W26S variant (also known as c.77G>C), located in coding exon 1 of the SH2B3 gene, results from a G to C substitution at nucleotide position 77. The tryptophan at codon 26 is replaced by serine, an amino acid with highly dissimilar properties. This amino acid position is conserved. In addition, this alteration is predicted to be deleterious by in silico analysis. Based on the available evidence, the clinical significance of this variant remains unclear.

NM_005475.3(SH2B3):c.77G>C (p.Trp26Ser)

Gene: SH2B3 (SH2B adaptor protein 3; plus strand). Cytogenetic location: 12q24.12.
Variant type: single nucleotide variant.
Coding change: c.77G>C on transcript NM_005475.3 (MANE Select); coding-DNA position 77, G replaced by C.
Protein change: p.Trp26Ser; replaces tryptophan 26 with serine.
Molecular consequence: missense variant.
Genome position (GRCh38, 1-based): chr12:111,418,222, G>C. VCF-style: chr12-111418222-G-C. GRCh37 (hg19) VCF-style: chr12-111856026-G-C.
Other names: short protein forms W26S.
Identifiers: ClinVar variation 3795146 (VCV003795146.1).
Genomic context (GRCh38, chr12:111,418,222, plus strand): 5'-TGCAGCCCTCCTCGCCCTCTTCCGCGCCCTCAGCCTCCCCGGCGGCGGCCCCGCGGGGCT[G>C]GAGCGAGTTCTGTGAGTTGCACGCCGTAGCGGCGGCCCGGGAGCTGGCCCGCCAGTACTG-3'
Protein context (NP_005466.1, residues 16-36): SASPAAAPRG[Trp26Ser]SEFCELHAVA